The following is an entry in ClinVar:

NM_006019.4(TCIRG1):c.793C>A (p.Gln265Lys)

Gene: TCIRG1 (T cell immune regulator 1, ATPase H+ transporting V0 subunit a3; plus strand). Cytogenetic location: 11q13.2.
Variant type: single nucleotide variant.
Coding change: c.793C>A on transcript NM_006019.4 (MANE Select); coding-DNA position 793, C replaced by A.
Protein change: p.Gln265Lys; replaces glutamine 265 with lysine.
Molecular consequence: missense variant. On other transcripts: 5 prime UTR variant (1).
Genome position (GRCh38, 1-based): chr11:68,043,893, C>A. VCF-style: chr11-68043893-C-A. GRCh37 (hg19) VCF-style: chr11-67811360-C-A.
Other names: c.-102C>A (NM_001351059.2); c.145C>A, p.Gln49Lys (NM_006053.4); short protein forms Q265K, Q49K.
Identifiers: ClinVar variation 3712028 (VCV003712028.2).

ClinVar aggregate classification (germline): Uncertain significance (1 of 4 stars; one submission).

Submission:

Labcorp Genetics (formerly Invitae), Labcorp
Classification: Uncertain significance. Last evaluated: 2024-12-16. Review status: criteria provided, single submitter. Criteria: Invitae Variant Classification Sherloc (09022015). Collection method: clinical testing. Allele origin: germline.
Comment: This sequence change replaces glutamine, which is neutral and polar, with lysine, which is basic and polar, at codon 265 of the TCIRG1 protein (p.Gln265Lys). This variant is not present in population databases (gnomAD no frequency). This variant has not been reported in the literature in individuals affected with TCIRG1-related conditions. Invitae Evidence Modeling of protein sequence and biophysical properties (such as structural, functional, and spatial information, amino acid conservation, physicochemical variation, residue mobility, and thermodynamic stability) indicates that this missense variant is not expected to disrupt TCIRG1 protein function with a negative predictive value of 80%. In summary, the available evidence is currently insufficient to determine the role of this variant in disease. Therefore, it has been classified as a Variant of Uncertain Significance.